The following is an entry in ClinVar:

NM_001349206.2(LPIN1):c.878T>G (p.Val293Gly)

Genes: LPIN1 (lipin 1; plus strand), LOC126806147 (CDK7 strongly-dependent group 2 enhancer GRCh37_chr2:11919054-11920253; plus strand). Cytogenetic location: 2p25.1.
Variant type: single nucleotide variant.
Coding change: c.878T>G on transcript NM_001349206.2 (MANE Select); coding-DNA position 878, T replaced by G.
Protein change: p.Val293Gly; replaces valine 293 with glycine.
Molecular consequence: missense variant. On other transcripts: non-coding transcript variant (1).
Genome position (GRCh38, 1-based): chr2:11,779,566, T>G. VCF-style: chr2-11779566-T-G. GRCh37 (hg19) VCF-style: chr2-11919692-T-G.
Other names: p.Val257Gly; c.1025T>G, p.Val342Gly (NM_001261428.3); c.770T>G, p.Val257Gly (NM_001349199.2, NM_001349200.2, NM_001349201.2 and 1 more transcripts); c.788T>G, p.Val263Gly (NM_001261427.3); c.875T>G, p.Val292Gly (NM_001349202.2, NM_001349203.2); c.878T>G, p.Val293Gly (NM_001349204.2, NM_001349205.2); c.968T>G, p.Val323Gly (NM_001349207.2); c.917T>G, p.Val306Gly (NM_001349208.2); and 1 more; short protein forms V306G, V257G, V323G, V342G, V263G, V292G, V293G.
Identifiers: ClinVar variation 2072686 (VCV002072686.4), dbSNP rs371732049, ClinGen allele CA1533532.

ClinVar aggregate classification (germline): Uncertain significance. Review status: criteria provided, multiple submitters, no conflicts (2 of 4 stars). 4 submissions from 4 submitters: Uncertain significance (4). Last evaluated 2025-05-20.

Conditions:
Inborn genetic diseases. Identifiers: MedGen C0950123, MeSH D030342.
Myoglobinuria, acute recurrent, autosomal recessive. Also called: Myoglobinuria, recurrent, autosomal recessive; MYOGLOBINURIA, FAMILIAL PAROXYSMAL PARALYTIC; RHABDOMYOLYSIS, ACUTE RECURRENT. Identifiers: Orphanet 99845, MedGen C1849386, MONDO:0009992, OMIM 268200.

Allele frequency attached by ClinVar (database versions not stated): gnomAD 0.00003; TOPMed 0.00004; ExAC 0.00006; gnomAD exomes 0.00007; ESP Exome Variant Server 0.00008.
gnomAD v4.1: 101 of 1,613,950 alleles (0.0063%); highest among the groups gnomAD compares: Admixed American, 0.025%; 1 homozygote.

Submissions (4):

Mayo Clinic Laboratories, Mayo Clinic
Classification: Uncertain significance. Last evaluated: 2025-05-20. Review status: criteria provided, single submitter. Criteria: ACMG Guidelines, 2015. Collection method: clinical testing. Allele origin: germline. Observed: 1 variant allele.

Fulgent Genetics
Classification: Uncertain significance for Myoglobinuria, acute recurrent, autosomal recessive. Last evaluated: 2024-04-24. Review status: criteria provided, single submitter. Criteria: ACMG Guidelines, 2015. Collection method: clinical testing. Allele origin: germline.

Ambry Genetics
Classification: Uncertain significance for Inborn genetic diseases. Last evaluated: 2023-11-13. Review status: criteria provided, single submitter. Criteria: Ambry Variant Classification Scheme 2023. Collection method: clinical testing. Allele origin: germline.

Labcorp Genetics (formerly Invitae), Labcorp
Classification: Uncertain significance. Last evaluated: 2022-08-19. Review status: criteria provided, single submitter. Criteria: Invitae Variant Classification Sherloc (09022015). Collection method: clinical testing. Allele origin: germline.
Comment: This sequence change replaces valine, which is neutral and non-polar, with glycine, which is neutral and non-polar, at codon 257 of the LPIN1 protein (p.Val257Gly). This variant is present in population databases (rs371732049, gnomAD 0.04%). This variant has not been reported in the literature in individuals affected with LPIN1-related conditions. Algorithms developed to predict the effect of missense changes on protein structure and function are either unavailable or do not agree on the potential impact of this missense change (SIFT: "Tolerated"; PolyPhen-2: "Possibly Damaging"; Align-GVGD: "Class C0"). In summary, the available evidence is currently insufficient to determine the role of this variant in disease. Therefore, it has been classified as a Variant of Uncertain Significance.